The following is an entry in ClinVar:

NM_001365536.1(SCN9A):c.4739T>G (p.Ile1580Ser)

Genes: SCN9A (sodium voltage-gated channel alpha subunit 9; minus strand), SCN1A-AS1 (SCN1A and SCN9A antisense RNA 1; plus strand). Cytogenetic location: 2q24.3.
Variant type: single nucleotide variant.
Coding change: c.4739T>G on transcript NM_001365536.1 (MANE Select); coding-DNA position 4739, T replaced by G.
Protein change: p.Ile1580Ser; replaces isoleucine 1580 with serine.
Molecular consequence: missense variant.
Genome position (GRCh38, 1-based): chr2:166,203,990, A>C on the plus strand (T>G on the coding strand, the complement: SCN9A is on the minus strand). VCF-style: chr2-166203990-A-C. GRCh37 (hg19) VCF-style: chr2-167060500-A-C.
Other names: c.4706T>G, p.Ile1569Ser (NM_002977.4); short protein forms I1569S, I1580S.
Identifiers: ClinVar variation 583207 (VCV000583207.11), dbSNP rs1307977305, ClinGen allele CA349057319.

ClinVar aggregate classification (germline): Uncertain significance. Review status: criteria provided, multiple submitters, no conflicts (2 of 4 stars). 3 submissions from 3 submitters: Uncertain significance (3). Last evaluated 2026-03-09.

Conditions:
Neuropathy, hereditary sensory and autonomic, type 2A (HSAN2A). Also called: ACROOSTEOLYSIS, GIACCAI TYPE; ACROOSTEOLYSIS, NEUROGENIC; HSAN IIA; WNK1-Related HSAN2 (HSAN2A); MORVAN DISEASE; NEUROPATHY, CONGENITAL SENSORY. Identifiers: Orphanet 970, MedGen C2752089, MONDO:0024309, OMIM 201300.
Generalized epilepsy with febrile seizures plus, type 7 (GEFSP7). Also called: GEFS+, TYPE 7. Identifiers: Orphanet 36387, MedGen C2751778, MONDO:0013470, OMIM 613863.
SCN9A-related disorder. Also called: SCN9A-related disorders; SCN9A-related condition.

Allele frequency attached by ClinVar (database versions not stated): gnomAD exomes below 0.00001; TOPMed 0.00001.
gnomAD v4.1: 6 of 1,598,980 alleles (0.00038%); highest among the groups gnomAD compares: Non-Finnish European, 0.00051%; no homozygotes.

Submissions (3):

PreventionGenetics, part of Exact Sciences
Classification: Uncertain significance for SCN9A-related condition. Last evaluated: 2026-03-09. Review status: criteria provided, single submitter. Criteria: ACMG Guidelines, 2015. Collection method: clinical testing. Allele origin: germline.
Comment: The SCN9A c.4706T>G variant is predicted to result in the amino acid substitution p.Ile1569Ser. To our knowledge, this variant has not been reported in the literature. This variant is reported in 0.00091% of alleles in individuals of European (Non-Finnish) descent in gnomAD. At this time, the clinical significance of this variant is uncertain due to the absence of conclusive functional and genetic evidence.

Labcorp Genetics (formerly Invitae), Labcorp
Classification: Uncertain significance for Neuropathy, hereditary sensory and autonomic, type 2A; Generalized epilepsy with febrile seizures plus, type 7. Last evaluated: 2026-01-31. Review status: criteria provided, single submitter. Criteria: Invitae Variant Classification Sherloc (09022015). Collection method: clinical testing. Allele origin: germline.
Comment: This sequence change replaces isoleucine, which is neutral and non-polar, with serine, which is neutral and polar, at codon 1569 of the SCN9A protein (p.Ile1569Ser). This variant is present in population databases (no rsID available, gnomAD 0.0009%). This variant has not been reported in the literature in individuals affected with SCN9A-related conditions. ClinVar contains an entry for this variant (Variation ID: 583207). Invitae Evidence Modeling of protein sequence and biophysical properties (such as structural, functional, and spatial information, amino acid conservation, physicochemical variation, residue mobility, and thermodynamic stability) has been performed for this missense variant. However, the output from this modeling did not meet the statistical confidence thresholds required to predict the impact of this variant on SCN9A protein function. In summary, the available evidence is currently insufficient to determine the role of this variant in disease. Therefore, it has been classified as a Variant of Uncertain Significance.

Women's Health and Genetics/Laboratory Corporation of America, LabCorp
Classification: Uncertain significance. Last evaluated: 2025-09-03. Review status: criteria provided, single submitter. Criteria: LabCorp Variant Classification Summary - May 2015. Collection method: clinical testing. Allele origin: germline.
Comment: Variant summary: SCN9A c.4706T>G (p.Ile1569Ser) results in a non-conservative amino acid change in the encoded protein sequence. Algorithms developed to predict the effect of missense changes on protein structure and function all suggest that this variant is likely to be disruptive. The variant allele was found at a frequency of 4.1e-06 in 243904 control chromosomes. The available data on variant occurrences in the general population are insufficient to allow any conclusion about variant significance. To our knowledge, no occurrence of c.4706T>G in individuals affected with SCN9A-related conditions and no experimental evidence demonstrating its impact on protein function have been reported. ClinVar contains an entry for this variant (Variation ID: 583207). Based on the evidence outlined above, the variant was classified as uncertain significance.